The following is an entry in ClinVar:

NM_144670.6(A2ML1):c.993G>C (p.Gln331His)

Gene: A2ML1 (alpha-2-macroglobulin like 1; plus strand). Cytogenetic location: 12p13.31.
Variant type: single nucleotide variant.
Coding change: c.993G>C on transcript NM_144670.6 (MANE Select); coding-DNA position 993, G replaced by C.
Protein change: p.Gln331His; replaces glutamine 331 with histidine.
Molecular consequence: missense variant.
Genome position (GRCh38, 1-based): chr12:8,839,135, G>C. VCF-style: chr12-8839135-G-C. GRCh37 (hg19) VCF-style: chr12-8991731-G-C.
Other names: short protein forms Q331H.
Identifiers: ClinVar variation 2725909 (VCV002725909.3), dbSNP rs1943384005, ClinGen allele CA383823570.

ClinVar aggregate classification (germline): Uncertain significance (1 of 4 stars; one submission).

Submission:

Labcorp Genetics (formerly Invitae), Labcorp
Classification: Uncertain significance. Last evaluated: 2024-01-16. Review status: criteria provided, single submitter. Criteria: Invitae Variant Classification Sherloc (09022015). Collection method: clinical testing. Allele origin: germline.
Comment: This sequence change replaces glutamine, which is neutral and polar, with histidine, which is basic and polar, at codon 331 of the A2ML1 protein (p.Gln331His). This variant is not present in population databases (gnomAD no frequency). This variant has not been reported in the literature in individuals affected with A2ML1-related conditions. An algorithm developed to predict the effect of missense changes on protein structure and function (PolyPhen-2) suggests that this variant is likely to be tolerated. In summary, the available evidence is currently insufficient to determine the role of this variant in disease. Therefore, it has been classified as a Variant of Uncertain Significance.